The following is an entry in ClinVar:

NM_024596.5(MCPH1):c.869A>T (p.Lys290Ile)

Gene: MCPH1 (microcephalin 1; plus strand). Cytogenetic location: 8p23.1.
Variant type: single nucleotide variant.
Coding change: c.869A>T on transcript NM_024596.5 (MANE Select); coding-DNA position 869, A replaced by T.
Protein change: p.Lys290Ile; replaces lysine 290 with isoleucine.
Molecular consequence: missense variant. On other transcripts: non-coding transcript variant (1).
Genome position (GRCh38, 1-based): chr8:6,444,591, A>T. VCF-style: chr8-6444591-A-T. GRCh37 (hg19) VCF-style: chr8-6302112-A-T.
Other names: c.869A>T, p.Lys290Ile (NM_001172574.2, NM_001322042.2, NM_001363979.1 and 1 more transcripts); c.725A>T, p.Lys242Ile (NM_001172575.2); c.863A>T, p.Lys288Ile (NM_001322043.2); c.767A>T, p.Lys256Ile (NM_001322045.2); short protein forms K290I, K256I, K242I, K288I.
Identifiers: ClinVar variation 363523 (VCV000363523.36), dbSNP rs200814676, ClinGen allele CA4610396.
Genomic context (GRCh38, chr8:6,444,591, plus strand): 5'-AAGCAAATAATATTCATTCATCACCATCTTTCACTCACCTCGATAAATCAAGTCCTCAGA[A>T]ATTTCTGAGTAATCTTTCAAAGGAAGAAATAAACTTGCAAAGAAATATTGCAGGTAAAGT-3'
Protein context (NP_078872.3, residues 280-300): FTHLDKSSPQ[Lys290Ile]FLSNLSKEEI

ClinVar aggregate classification (germline): Conflicting classifications of pathogenicity. Review status: criteria provided, conflicting classifications (1 of 4 stars). 3 submissions from 3 submitters: Uncertain significance (1); Likely benign (2). Last evaluated 2026-01-28.

Conditions:
Microcephaly 1, primary, autosomal recessive (MCPH1). Also called: PREMATURE CHROMOSOME CONDENSATION SYNDROME; PCC SYNDROME; PREMATURE CHROMOSOME CONDENSATION WITH MICROCEPHALY AND MENTAL RETARDATION. Identifiers: Orphanet 2512, MedGen C1855081, MONDO:0009617, OMIM 251200.

Allele frequency attached by ClinVar (database versions not stated): TOPMed 0.00008; gnomAD 0.00009 and 0.00011.
gnomAD v4.1: 192 of 1,614,076 alleles (0.012%); highest among the groups gnomAD compares: Non-Finnish European, 0.0024%; 2 homozygotes.

Submissions (3):

Labcorp Genetics (formerly Invitae), Labcorp
Classification: Likely benign. Last evaluated: 2026-01-28. Review status: criteria provided, single submitter. Criteria: Invitae Variant Classification Sherloc (09022015). Collection method: clinical testing. Allele origin: germline.

CeGaT Center for Human Genetics Tuebingen
Classification: Likely benign. Last evaluated: 2025-05-01. Review status: criteria provided, single submitter. Criteria: CeGaT Center For Human Genetics Tuebingen Variant Classification Criteria Version 2. Collection method: clinical testing. Allele origin: germline. Affected: yes. Observed: 2 variant alleles.
Comment: MCPH1: BP4

Illumina Laboratory Services, Illumina
Classification: Uncertain significance for Microcephaly 1, primary, autosomal recessive. Last evaluated: 2018-01-13. Review status: criteria provided, single submitter. Criteria: ICSL Variant Classification Criteria 13 December 2019. Collection method: clinical testing. Allele origin: germline.